The following is an entry in ClinVar:

ClinVar aggregate classification (germline): Uncertain significance (1 of 4 stars; one submission).

Allele frequency attached by ClinVar (database versions not stated): TOPMed below 0.00001; ExAC 0.00001; gnomAD exomes 0.00001.
gnomAD v4.1: 19 of 1,613,036 alleles (0.0012%); highest among the groups gnomAD compares: Admixed American, 0.0017%; no homozygotes.

Submission:

Labcorp Genetics (formerly Invitae), Labcorp
Classification: Uncertain significance. Last evaluated: 2025-09-08. Review status: criteria provided, single submitter. Criteria: Invitae Variant Classification Sherloc (09022015). Collection method: clinical testing. Allele origin: germline.
Comment: This sequence change replaces proline, which is neutral and non-polar, with leucine, which is neutral and non-polar, at codon 648 of the LONP1 protein (p.Pro648Leu). This variant is present in population databases (rs771259377, gnomAD 0.003%). This variant has not been reported in the literature in individuals affected with LONP1-related conditions. ClinVar contains an entry for this variant (Variation ID: 1944197). Invitae Evidence Modeling of protein sequence and biophysical properties (such as structural, functional, and spatial information, amino acid conservation, physicochemical variation, residue mobility, and thermodynamic stability) has been performed for this missense variant. However, the output from this modeling did not meet the statistical confidence thresholds required to predict the impact of this variant on LONP1 protein function. In summary, the available evidence is currently insufficient to determine the role of this variant in disease. Therefore, it has been classified as a Variant of Uncertain Significance.

NM_004793.4(LONP1):c.1943C>T (p.Pro648Leu)

Gene: LONP1 (lon peptidase 1, mitochondrial; minus strand). Cytogenetic location: 19p13.3.
Variant type: single nucleotide variant.
Coding change: c.1943C>T on transcript NM_004793.4 (MANE Select); coding-DNA position 1943, C replaced by T.
Protein change: p.Pro648Leu; replaces proline 648 with leucine.
Molecular consequence: missense variant. On other transcripts: non-coding transcript variant (1).
Genome position (GRCh38, 1-based): chr19:5,696,124, G>A on the plus strand (C>T on the coding strand, the complement: LONP1 is on the minus strand). VCF-style: chr19-5696124-G-A. GRCh37 (hg19) VCF-style: chr19-5696135-G-A.
Other names: c.1751C>T, p.Pro584Leu (NM_001276479.2); c.1355C>T, p.Pro452Leu (NM_001276480.1); short protein forms P584L, P648L, P452L.
Identifiers: ClinVar variation 1944197 (VCV001944197.5), dbSNP rs771259377, ClinGen allele CA9114381.